The following is an entry in ClinVar:

NM_003482.4(KMT2D):c.15953_15956del (p.Leu5318fs)

Gene: KMT2D (lysine methyltransferase 2D; minus strand). Cytogenetic location: 12q13.12.
Variant type: Microsatellite.
Coding change: c.15953_15956del on transcript NM_003482.4 (MANE Select); coding-DNA positions 15953 to 15956, 4 bases deleted (TATT; older notation c.15953_15956delTATT).
Protein change: p.Leu5318fs; shifts the reading frame from leucine 5318.
Molecular consequence: frameshift variant.
Genome position (GRCh38, 1-based): chr12:49,024,674-49,024,677, AATA deleted on the plus strand (TATT on the coding strand, the reverse complement: KMT2D is on the minus strand); deleting any 4 consecutive bases within chr12:49,024,674-49,024,681 gives the same sequence; the c. name uses the placement nearest the transcript's 3' end. VCF-style (leftmost placement, unchanged base first): chr12-49024673-GAATA-G. GRCh37 (hg19) VCF-style: chr12-49418456-GAATA-G.
Other names: c.15953_15956del (NM_003482.3); c.15953_15956delTATT (NM_003482.3); short protein forms L5318fs.
Identifiers: ClinVar variation 94188 (VCV000094188.41), dbSNP rs398123732, ClinGen allele CA222042.

ClinVar aggregate classification (germline): Pathogenic. Review status: criteria provided, multiple submitters, no conflicts (2 of 4 stars). 3 submissions from 3 submitters: Pathogenic (3). Last evaluated 2025-03-07.

Submissions (3):

GeneDx
Classification: Pathogenic. Last evaluated: 2025-03-07. Review status: criteria provided, single submitter. Criteria: GeneDx Variant Classification Process June 2021. Collection method: clinical testing. Allele origin: germline. Affected: yes.
Comment: Frameshift variant predicted to result in protein truncation or nonsense mediated decay in a gene for which loss of function is a known mechanism of disease; Not observed at significant frequency in large population cohorts (gnomAD); This variant is associated with the following publications: (PMID: 38282012, 33057194, 35982159, 30525188)

CeGaT Center for Human Genetics Tuebingen
Classification: Pathogenic. Last evaluated: 2022-07-01. Review status: criteria provided, single submitter. Criteria: CeGaT Center For Human Genetics Tuebingen Variant Classification Criteria Version 2. Collection method: clinical testing. Allele origin: germline. Affected: yes. Observed: 2 variant alleles.
Comment: KMT2D: PVS1, PS2

Eurofins Ntd Llc (ga)
Classification: Pathogenic. Last evaluated: 2013-07-10. Review status: criteria provided, single submitter. Criteria: EGL Classification Definitions. Collection method: clinical testing. Allele origin: germline. Observed: 2 variant alleles, 2 heterozygotes.